The following is an entry in ClinVar:

ClinVar aggregate classification (germline): Pathogenic (1 of 4 stars; one submission).

Conditions:
Familial melanoma. Also called: Hereditary melanoma; Hereditary cutaneous melanoma. Identifiers: Orphanet 618, MedGen C1512419, MONDO:0018961.

Submission:

Labcorp Genetics (formerly Invitae), Labcorp
Classification: Pathogenic for Familial melanoma. Last evaluated: 2023-06-21. Review status: criteria provided, single submitter. Criteria: Invitae Variant Classification Sherloc (09022015). Collection method: clinical testing. Allele origin: germline.
Comment: This variant is not present in population databases (gnomAD no frequency). For these reasons, this variant has been classified as Pathogenic. This variant has not been reported in the literature in individuals affected with CDKN2A (p16INK4a)-related conditions. This sequence change creates a premature translational stop signal (p.Glu120*) in the CDKN2A (p16INK4a) gene. It is expected to result in an absent or disrupted protein product. Loss-of-function variants in CDKN2A (p16INK4a) are known to be pathogenic (PMID: 15146471, 16905682).

Literature cited by the submitters: PubMed 15146471; PubMed 16905682.

NM_000077.5(CDKN2A):c.358G>T (p.Glu120Ter)

Gene: CDKN2A (cyclin dependent kinase inhibitor 2A; minus strand). Cytogenetic location: 9p21.3.
Variant type: single nucleotide variant.
Coding change: c.358G>T on transcript NM_000077.5; coding-DNA position 358, G replaced by T.
Protein change: p.Glu120Ter; replaces glutamic acid 120 with a stop codon.
Molecular consequence: nonsense (on NM_000077.6). On other transcripts: 3 prime UTR variant (2).
Genome position (GRCh38, 1-based): chr9:21,971,001, C>A on the plus strand (G>T on the coding strand, the complement: CDKN2A is on the minus strand). VCF-style: chr9-21971001-C-A. GRCh37 (hg19) VCF-style: chr9-21971000-C-A.
Other names: c.358G>T, p.Glu120Ter (NM_000077.6, NM_001195132.2); c.205G>T, p.Glu69Ter (NM_001363763.2); c.*2G>T (NM_058195.4); c.*281G>T (NM_058197.5); short protein forms E120*, E69*.
Identifiers: ClinVar variation 2722325 (VCV002722325.3), dbSNP rs1819691962, ClinGen allele CA373085983.